The following is an entry in ClinVar:

NM_005336.6(HDLBP):c.3393C>T (p.Asp1131=)

Genes: ANO7 (anoctamin 7; plus strand), HDLBP (high density lipoprotein binding protein; minus strand). Cytogenetic location: 2q37.3.
Variant type: single nucleotide variant.
Coding change: c.3393C>T on transcript NM_005336.6 (MANE Select); coding-DNA position 3393, C replaced by T.
Protein change: p.Asp1131=; no amino-acid change (aspartic acid 1131 retained).
Molecular consequence: synonymous variant.
Genome position (GRCh38, 1-based): chr2:241,230,840, G>A on the plus strand (C>T on the coding strand, the complement: HDLBP is on the minus strand). VCF-style: chr2-241230840-G-A. GRCh37 (hg19) VCF-style: chr2-242170255-G-A.
Other names: c.3294C>T, p.Asp1098= (NM_001243900.3); c.3393C>T, p.Asp1131= (NM_001320965.3, NM_001320966.3, NM_001320967.3 and 1 more transcripts); c.3393C>T (NM_001320966.1).
Identifiers: ClinVar variation 732315 (VCV000732315.5), dbSNP rs780186842, ClinGen allele CA2216017.

ClinVar aggregate classification (germline): Likely benign. Review status: criteria provided, single submitter (1 of 4 stars). 2 submissions from 2 submitters: Likely benign (1). 1 of the submissions does not count toward it. Last evaluated 2018-07-05.

Conditions:
HDLBP-related disorder. Also called: HDLBP-related condition.

Allele frequency attached by ClinVar (database versions not stated): gnomAD 0.00003; TOPMed 0.00008.
gnomAD v4.1: 57 of 1,614,062 alleles (0.0035%); highest among the groups gnomAD compares: Admixed American, 0.032%; no homozygotes.

Submissions (2):

Labcorp Genetics (formerly Invitae), Labcorp
Classification: Likely benign. Last evaluated: 2018-07-05. Review status: criteria provided, single submitter. Criteria: Invitae Variant Classification Sherloc (09022015). Collection method: clinical testing. Allele origin: germline.

PreventionGenetics, part of Exact Sciences
Classification: Likely benign for HDLBP-related condition. Last evaluated: 2019-05-08. Review status: no assertion criteria provided. Collection method: clinical testing. Allele origin: germline. Not counted in ClinVar's aggregate classification.
Comment: This variant is classified as likely benign based on ACMG/AMP sequence variant interpretation guidelines (Richards et al. 2015 PMID: 25741868, with internal and published modifications).